The following is an entry in ClinVar:

ClinVar aggregate classification (germline): Uncertain significance (1 of 4 stars; one submission).

Conditions:
Hereditary cancer-predisposing syndrome. Also called: Hereditary neoplastic syndrome; Neoplastic Syndromes, Hereditary; Tumor predisposition; Hereditary Cancer Syndrome. Identifiers: Orphanet 140162, MedGen C0027672, MeSH D009386, MONDO:0015356.

Submission:

Ambry Genetics
Classification: Uncertain significance for Hereditary cancer-predisposing syndrome. Last evaluated: 2024-01-11. Review status: criteria provided, single submitter. Criteria: Ambry Variant Classification Scheme 2023. Collection method: clinical testing. Allele origin: germline.
Comment: The c.6199-3T>A intronic variant results from a T to A substitution 3 nucleotides upstream from coding exon 42 in the ATM gene. This nucleotide position is not well conserved in available vertebrate species. In silico splice site analysis for this alteration is inconclusive. Since supporting evidence is limited at this time, the clinical significance of this alteration remains unclear.

NM_000051.4(ATM):c.6199-3T>A

Genes: C11orf65 (chromosome 11 open reading frame 65; minus strand), ATM (ATM serine/threonine kinase; plus strand). Cytogenetic location: 11q22.3.
Variant type: single nucleotide variant.
Coding change: c.6199-3T>A on transcript NM_000051.4 (MANE Select); 3 bases into the intron before coding-DNA position 6199, T replaced by A.
Molecular consequence: intron variant.
Genome position (GRCh38, 1-based): chr11:108,317,370, T>A. VCF-style: chr11-108317370-T-A. GRCh37 (hg19) VCF-style: chr11-108188097-T-A.
Other names: c.*39-8299A>T (NM_001351110.2); c.6199-3T>A (NM_001351834.2); c.641-8299A>T (NM_001330368.2).
Identifiers: ClinVar variation 1752139 (VCV001752139.2), dbSNP rs1318760213, ClinGen allele CA2580083370.